The following is an entry in ClinVar:

NM_021615.5(CHST6):c.260C>T (p.Thr87Met)

Gene: CHST6 (carbohydrate sulfotransferase 6; minus strand). Cytogenetic location: 16q23.1.
Variant type: single nucleotide variant.
Coding change: c.260C>T on transcript NM_021615.5 (MANE Select); coding-DNA position 260, C replaced by T.
Protein change: p.Thr87Met; replaces threonine 87 with methionine.
Molecular consequence: missense variant.
Genome position (GRCh38, 1-based): chr16:75,479,569, G>A on the plus strand (C>T on the coding strand, the complement: CHST6 is on the minus strand). VCF-style: chr16-75479569-G-A. GRCh37 (hg19) VCF-style: chr16-75513467-G-A.
Other names: short protein forms T87M.
Identifiers: ClinVar variation 2762125 (VCV002762125.3), dbSNP rs756757549, ClinGen allele CA8175545.

ClinVar aggregate classification (germline): Uncertain significance (1 of 4 stars; one submission).

Conditions:
Macular corneal dystrophy (MCD). Also called: GROENOUW TYPE II CORNEAL DYSTROPHY; Macular corneal dystrophy Type I. Identifiers: Orphanet 98969, MedGen C1636149, MONDO:0009020, OMIM 217800.

Allele frequency attached by ClinVar (database versions not stated): gnomAD exomes below 0.00001; ExAC 0.00001.
gnomAD v4.1: 2 of 1,613,032 alleles (0.00012%); highest among the groups gnomAD compares: Non-Finnish European, 0.00017%; no homozygotes.

Submission:

Labcorp Genetics (formerly Invitae), Labcorp
Classification: Uncertain significance for Macular corneal dystrophy. Last evaluated: 2024-10-24. Review status: criteria provided, single submitter. Criteria: Invitae Variant Classification Sherloc (09022015). Collection method: clinical testing. Allele origin: germline.
Comment: This sequence change replaces threonine, which is neutral and polar, with methionine, which is neutral and non-polar, at codon 87 of the CHST6 protein (p.Thr87Met). This variant is present in population databases (rs756757549, gnomAD 0.0009%). This variant has not been reported in the literature in individuals affected with CHST6-related conditions. Invitae Evidence Modeling of protein sequence and biophysical properties (such as structural, functional, and spatial information, amino acid conservation, physicochemical variation, residue mobility, and thermodynamic stability) indicates that this missense variant is not expected to disrupt CHST6 protein function with a negative predictive value of 80%. In summary, the available evidence is currently insufficient to determine the role of this variant in disease. Therefore, it has been classified as a Variant of Uncertain Significance.